The following is an entry in ClinVar:

ClinVar aggregate classification (germline): Uncertain significance. Review status: criteria provided, multiple submitters, no conflicts (2 of 4 stars). 2 submissions from 2 submitters: Uncertain significance (2). Last evaluated 2024-09-04.

Conditions:
Inborn genetic diseases. Identifiers: MedGen C0950123, MeSH D030342.
Syndromic multisystem autoimmune disease due to ITCH deficiency. Also called: AUTOIMMUNE DISEASE, MULTISYSTEM, WITH FACIAL DYSMORPHISM. Identifiers: Orphanet 228426, MedGen C3150649, MONDO:0013245, OMIM 613385.

Allele frequency attached by ClinVar (database versions not stated): gnomAD 0.00001; TOPMed 0.00002.
gnomAD v4.1: 30 of 1,613,396 alleles (0.0019%); highest among the groups gnomAD compares: South Asian, 0.011%; no homozygotes.

Submissions (2):

Ambry Genetics
Classification: Uncertain significance for Inborn genetic diseases. Last evaluated: 2024-09-04. Review status: criteria provided, single submitter. Criteria: Ambry Variant Classification Scheme 2023. Collection method: clinical testing. Allele origin: germline.

Labcorp Genetics (formerly Invitae), Labcorp
Classification: Uncertain significance for Syndromic multisystem autoimmune disease due to ITCH deficiency. Last evaluated: 2022-08-19. Review status: criteria provided, single submitter. Criteria: Invitae Variant Classification Sherloc (09022015). Collection method: clinical testing. Allele origin: germline.
Comment: In summary, the available evidence is currently insufficient to determine the role of this variant in disease. Therefore, it has been classified as a Variant of Uncertain Significance. Algorithms developed to predict the effect of missense changes on protein structure and function are either unavailable or do not agree on the potential impact of this missense change (SIFT: "Not Available"; PolyPhen-2: "Benign"; Align-GVGD: "Not Available"). ClinVar contains an entry for this variant (Variation ID: 1403925). This variant has not been reported in the literature in individuals affected with ITCH-related conditions. This variant is present in population databases (rs368353835, gnomAD 0.01%). This sequence change replaces proline, which is neutral and non-polar, with leucine, which is neutral and non-polar, at codon 248 of the ITCH protein (p.Pro248Leu).

NM_031483.7(ITCH):c.743C>T (p.Pro248Leu)

Gene: ITCH (itchy E3 ubiquitin protein ligase; plus strand). Cytogenetic location: 20q11.22.
Variant type: single nucleotide variant.
Coding change: c.743C>T on transcript NM_031483.7 (MANE Select); coding-DNA position 743, C replaced by T.
Protein change: p.Pro248Leu; replaces proline 248 with leucine.
Molecular consequence: missense variant.
Genome position (GRCh38, 1-based): chr20:34,440,218, C>T. VCF-style: chr20-34440218-C-T. GRCh37 (hg19) VCF-style: chr20-33028023-C-T.
Other names: c.866C>T, p.Pro289Leu (NM_001257137.3, NM_001324197.2); c.413C>T, p.Pro138Leu (NM_001257138.3); c.743C>T, p.Pro248Leu (NM_001324198.2); c.743C>T (NM_031483.4); short protein forms P138L, P248L, P289L.
Identifiers: ClinVar variation 1403925 (VCV001403925.5), dbSNP rs368353835, ClinGen allele CA9821426.
Genomic context (GRCh38, chr20:34,440,218, plus strand): 5'-CTGTCAATGGTTCACCATCTGCCACTTCTGAAAGTGATGGGTCTAGTACAGGCTCTCTGC[C>T]GCCGACAAATACAAATACAAATACATCTGAAGGAGCAACATCTGGATTAATAATTCCTCT-3'
Protein context (NP_113671.3, residues 238-258): ESDGSSTGSL[Pro248Leu]PTNTNTNTSE